The following is an entry in ClinVar:

NM_001005242.3(PKP2):c.1117G>A (p.Ala373Thr)

Gene: PKP2 (plakophilin 2; minus strand). Cytogenetic location: 12p11.21.
Variant type: single nucleotide variant.
Coding change: c.1117G>A on transcript NM_001005242.3 (MANE Select); coding-DNA position 1117, G replaced by A.
Protein change: p.Ala373Thr; replaces alanine 373 with threonine.
Molecular consequence: missense variant.
Genome position (GRCh38, 1-based): chr12:32,868,980, C>T on the plus strand (G>A on the coding strand, the complement: PKP2 is on the minus strand). VCF-style: chr12-32868980-C-T. GRCh37 (hg19) VCF-style: chr12-33021914-C-T.
Other names: c.1117G>A, p.Ala373Thr (NM_004572.4); short protein forms A373T.
Identifiers: ClinVar variation 1469527 (VCV001469527.8), dbSNP rs2137919581, ClinGen allele CA384359354.

ClinVar aggregate classification (germline): Uncertain significance (1 of 4 stars; one submission).

Conditions:
Arrhythmogenic right ventricular dysplasia 9 (ARVD9). Also called: Arrhythmogenic Right Ventricular Dysplasia/Cardiomyopathy 9; ARRHYTHMOGENIC RIGHT VENTRICULAR DYSPLASIA, FAMILIAL, 9. Identifiers: MedGen C1836906, MONDO:0012180, OMIM 609040.

Submission:

Labcorp Genetics (formerly Invitae), Labcorp
Classification: Uncertain significance for Arrhythmogenic right ventricular dysplasia 9. Last evaluated: 2021-02-06. Review status: criteria provided, single submitter. Criteria: Invitae Variant Classification Sherloc (09022015). Collection method: clinical testing. Allele origin: germline.
Comment: In summary, the available evidence is currently insufficient to determine the role of this variant in disease. Therefore, it has been classified as a Variant of Uncertain Significance. Algorithms developed to predict the effect of missense changes on protein structure and function are either unavailable or do not agree on the potential impact of this missense change (SIFT: "Deleterious"; PolyPhen-2: "Benign"; Align-GVGD: "Class C55"). This variant has not been reported in the literature in individuals with PKP2-related conditions. This variant is not present in population databases (ExAC no frequency). This sequence change replaces alanine with threonine at codon 373 of the PKP2 protein (p.Ala373Thr). The alanine residue is highly conserved and there is a small physicochemical difference between alanine and threonine.